The following is an entry in ClinVar:

NM_001079802.2(FKTN):c.419T>C (p.Ile140Thr)

Gene: FKTN (fukutin; plus strand). Cytogenetic location: 9q31.2.
Variant type: single nucleotide variant.
Coding change: c.419T>C on transcript NM_001079802.2 (MANE Select); coding-DNA position 419, T replaced by C.
Protein change: p.Ile140Thr; replaces isoleucine 140 with threonine.
Molecular consequence: missense variant. On other transcripts: non-coding transcript variant (2).
Genome position (GRCh38, 1-based): chr9:105,604,264, T>C. VCF-style: chr9-105604264-T-C. GRCh37 (hg19) VCF-style: chr9-108366545-T-C.
Other names: c.419T>C, p.Ile140Thr (NM_001198963.2, NM_001351496.2, NM_001351498.2 and 1 more transcripts); c.350T>C, p.Ile117Thr (NM_001351497.2); c.23T>C, p.Ile8Thr (NM_001351499.2, NM_001351500.2, NM_001351501.2 and 1 more transcripts); short protein forms I8T, I117T, I140T.
Identifiers: ClinVar variation 1738626 (VCV001738626.4), dbSNP rs140014129, ClinGen allele CA5170406.

ClinVar aggregate classification (germline): Uncertain significance. Review status: criteria provided, multiple submitters, no conflicts (2 of 4 stars). 2 submissions from 2 submitters: Uncertain significance (2). Last evaluated 2025-11-19.

Conditions:
Cardiovascular phenotype. Identifiers: MedGen CN230736.
Muscular dystrophy-dystroglycanopathy (congenital without impaired intellectual development), type B, 4. Also called: Muscular dystrophy-dystroglycanopathy (congenital without intellectual disability), type B4; MUSCULAR DYSTROPHY, CONGENITAL, FKTN-RELATED. Identifiers: MedGen C2751052, MONDO:0013156, OMIM 613152.
Autosomal recessive limb-girdle muscular dystrophy type 2M. Also called: MUSCULAR DYSTROPHY-DYSTROGLYCANOPATHY (LIMB-GIRDLE), TYPE C, 4; MUSCULAR DYSTROPHY, LIMB-GIRDLE, TYPE 2M. Identifiers: Orphanet 206554, MedGen C1969040, MONDO:0012699, OMIM 611588.
Muscular dystrophy-dystroglycanopathy (congenital with brain and eye anomalies), type A, 4 (MDDGA4). Also called: Congenital muscular dystrophy-dystroglycanopathy with brain and eye anomalies, type A4; WALKER-WARBURG SYNDROME OR MUSCLE-EYE-BRAIN DISEASE, FKTN-RELATED; Walker-Warburg Syndrome, Fktn-Related; Muscular dystrophy, congenital progressive, with mental retardation; Muscular dystrophy, congenital, with central nervous system involvement; Cerebromuscular dystrophy, Fukuyama type. Identifiers: Orphanet 272, Orphanet 588, Orphanet 899, MedGen C0410174, MONDO:0009678, OMIM 253800.

Allele frequency attached by ClinVar (database versions not stated): gnomAD exomes below 0.00001; gnomAD 0.00001; ESP Exome Variant Server 0.00008; ExAC 0.00002; TOPMed 0.00002.
gnomAD v4.1: 8 of 1,613,038 alleles (0.0005%); highest among the groups gnomAD compares: African/African-American, 0.0013%; no homozygotes.

Submissions (2):

Ambry Genetics
Classification: Uncertain significance for Cardiovascular phenotype. Last evaluated: 2025-11-19. Review status: criteria provided, single submitter. Criteria: Ambry Variant Classification Scheme 2023. Collection method: clinical testing. Allele origin: germline.

Clinical Genomics Laboratory, Stanford Medicine
Classification: Uncertain significance for Muscular dystrophy-dystroglycanopathy (congenital with brain and eye anomalies), type A, 4; Muscular dystrophy-dystroglycanopathy (congenital without impaired intellectual development), type B, 4; Autosomal recessive limb-girdle muscular dystrophy type 2M. Last evaluated: 2022-12-28. Review status: criteria provided, single submitter. Criteria: ACMG Guidelines, 2015. Collection method: clinical testing. Allele origin: germline. Observed: 1 variant allele, 1 heterozygote.
Comment: The p.Ile140Thr variant in the FKTN gene has not been previously reported in association with disease. This variant has been identified in 2/16,256 African/African American chromosomes by the Genome Aggregation Database. This variant is present in ClinVar (Variation ID: 1738626). Computational tools predict that this variant is neither deleterious nor benign; however, the accuracy of in silico algorithms is limited. These data were assessed using the ACMG/AMP variant interpretation guidelines. In summary, the significance of the p.Ile140Thr variant is uncertain. Additional information is needed to resolve the significance of this variant. [ACMG evidence codes used: PM2]